The following is an entry in ClinVar:

NM_001010909.5(MUC21):c.1275C>T (p.Ser425=)

Genes: MUC21 (mucin 21, cell surface associated; plus strand), LOC126859647 (CDK7 strongly-dependent group 2 enhancer GRCh37_chr6:30954612-30955811; plus strand). Cytogenetic location: 6p21.33.
Variant type: single nucleotide variant.
Coding change: c.1275C>T on transcript NM_001010909.5 (MANE Select); coding-DNA position 1275, C replaced by T.
Protein change: p.Ser425=; no amino-acid change (serine 425 retained).
Molecular consequence: synonymous variant. On other transcripts: non-coding transcript variant (1).
Genome position (GRCh38, 1-based): chr6:30,987,450, C>T. VCF-style: chr6-30987450-C-T. GRCh37 (hg19) VCF-style: chr6-30955227-C-T.
Other names: c.1455C>T, p.Ser485= (NM_001322371.2); c.1365C>T, p.Ser455= (NM_001322370.2).
Identifiers: ClinVar variation 3234452 (VCV003234452.20), dbSNP rs1476010830, ClinGen allele CA449782903.

ClinVar aggregate classification (germline): Likely benign (1 of 4 stars; one submission).

Submission:

CeGaT Center for Human Genetics Tuebingen
Classification: Likely benign. Last evaluated: 2024-04-01. Review status: criteria provided, single submitter. Criteria: CeGaT Center For Human Genetics Tuebingen Variant Classification Criteria Version 2. Collection method: clinical testing. Allele origin: germline. Affected: yes. Observed: 1 variant allele.
Comment: MUC21: PM2:Supporting, BP4, BP7